The following is an entry in ClinVar:

NM_001042492.3(NF1):c.7052T>A (p.Phe2351Tyr)

Gene: NF1 (neurofibromin 1; plus strand). Cytogenetic location: 17q11.2.
Variant type: single nucleotide variant.
Coding change: c.7052T>A on transcript NM_001042492.3 (MANE Select); coding-DNA position 7052, T replaced by A.
Protein change: p.Phe2351Tyr; replaces phenylalanine 2351 with tyrosine.
Molecular consequence: missense variant.
Genome position (GRCh38, 1-based): chr17:31,340,635, T>A. VCF-style: chr17-31340635-T-A. GRCh37 (hg19) VCF-style: chr17-29667653-T-A.
Other names: c.6989T>A, p.Phe2330Tyr (NM_000267.4); short protein forms F2351Y, F2330Y.
Identifiers: ClinVar variation 2452223 (VCV002452223.5), dbSNP rs2151561990, ClinGen allele CA399015223.

ClinVar aggregate classification (germline): Uncertain significance. Review status: criteria provided, multiple submitters, no conflicts (2 of 4 stars). 2 submissions from 2 submitters: Uncertain significance (2). Last evaluated 2025-11-03.

Conditions:
Neurofibromatosis, type 1 (NF1). Also called: Peripheral type neurofibromatosis; Neurofibromatosis, type I; VON RECKLINGHAUSEN DISEASE; NEUROFIBROMATOSIS, TYPE I, SOMATIC. Identifiers: Orphanet 636, MedGen C0027831, MONDO:0018975, OMIM 162200. Disease mechanism: loss of function.
Cardiovascular phenotype. Identifiers: MedGen CN230736.
Hereditary cancer-predisposing syndrome. Also called: Hereditary neoplastic syndrome; Tumor predisposition; Neoplastic Syndromes, Hereditary; Hereditary Cancer Syndrome. Identifiers: Orphanet 140162, MedGen C0027672, MeSH D009386, MONDO:0015356.

Submissions (2):

Ambry Genetics
Classification: Uncertain significance for Cardiovascular phenotype; Hereditary cancer-predisposing syndrome. Last evaluated: 2025-11-03. Review status: criteria provided, single submitter. Criteria: Ambry Variant Classification Scheme 2023. Collection method: clinical testing. Allele origin: germline.
Comment: The p.F2330Y variant (also known as c.6989T>A), located in coding exon 46 of the NF1 gene, results from a T to A substitution at nucleotide position 6989. The phenylalanine at codon 2330 is replaced by tyrosine, an amino acid with highly similar properties. This amino acid position is conserved. In addition, the in silico prediction for this alteration is inconclusive. Based on the available evidence, the clinical significance of this variant remains unclear.

Labcorp Genetics (formerly Invitae), Labcorp
Classification: Uncertain significance for Neurofibromatosis, type 1. Last evaluated: 2024-12-30. Review status: criteria provided, single submitter. Criteria: Invitae Variant Classification Sherloc (09022015). Collection method: clinical testing. Allele origin: germline.
Comment: This sequence change replaces phenylalanine, which is neutral and non-polar, with tyrosine, which is neutral and polar, at codon 2330 of the NF1 protein (p.Phe2330Tyr). This variant is not present in population databases (gnomAD no frequency). This variant has not been reported in the literature in individuals affected with NF1-related conditions. ClinVar contains an entry for this variant (Variation ID: 2452223). Invitae Evidence Modeling of protein sequence and biophysical properties (such as structural, functional, and spatial information, amino acid conservation, physicochemical variation, residue mobility, and thermodynamic stability) indicates that this missense variant is expected to disrupt NF1 protein function with a positive predictive value of 95%. In summary, the available evidence is currently insufficient to determine the role of this variant in disease. Therefore, it has been classified as a Variant of Uncertain Significance.